The following is an entry in ClinVar:

NM_006766.5(KAT6A):c.3830C>T (p.Pro1277Leu)

Gene: KAT6A (lysine acetyltransferase 6A; minus strand). Cytogenetic location: 8p11.21.
Variant type: single nucleotide variant.
Coding change: c.3830C>T on transcript NM_006766.5 (MANE Select); coding-DNA position 3830, C replaced by T.
Protein change: p.Pro1277Leu; replaces proline 1277 with leucine.
Molecular consequence: missense variant.
Genome position (GRCh38, 1-based): chr8:41,934,390, G>A on the plus strand (C>T on the coding strand, the complement: KAT6A is on the minus strand). VCF-style: chr8-41934390-G-A. GRCh37 (hg19) VCF-style: chr8-41791908-G-A.
Other names: short protein forms P1277L.
Identifiers: ClinVar variation 2977784 (VCV002977784.25), dbSNP rs2486757244, ClinGen allele CA371068216.

ClinVar aggregate classification (germline): Uncertain significance. Review status: criteria provided, multiple submitters, no conflicts (2 of 4 stars). 2 submissions from 2 submitters: Uncertain significance (2). Last evaluated 2024-01-01.

Submissions (2):

CeGaT Center for Human Genetics Tuebingen
Classification: Uncertain significance. Last evaluated: 2024-01-01. Review status: criteria provided, single submitter. Criteria: CeGaT Center For Human Genetics Tuebingen Variant Classification Criteria Version 2. Collection method: clinical testing. Allele origin: germline. Affected: yes. Observed: 1 variant allele.
Comment: KAT6A: PM2, BP4

Labcorp Genetics (formerly Invitae), Labcorp
Classification: Uncertain significance. Last evaluated: 2023-03-14. Review status: criteria provided, single submitter. Criteria: Invitae Variant Classification Sherloc (09022015). Collection method: clinical testing. Allele origin: germline.
Comment: In summary, the available evidence is currently insufficient to determine the role of this variant in disease. Therefore, it has been classified as a Variant of Uncertain Significance. Advanced modeling of protein sequence and biophysical properties (such as structural, functional, and spatial information, amino acid conservation, physicochemical variation, residue mobility, and thermodynamic stability) performed at Invitae indicates that this missense variant is not expected to disrupt KAT6A protein function. This variant has not been reported in the literature in individuals affected with KAT6A-related conditions. This variant is not present in population databases (gnomAD no frequency). This sequence change replaces proline, which is neutral and non-polar, with leucine, which is neutral and non-polar, at codon 1277 of the KAT6A protein (p.Pro1277Leu).